The following is an entry in ClinVar:

ClinVar aggregate classification (germline): Uncertain significance (1 of 4 stars; one submission).

gnomAD v4.1: 26 of 1,614,092 alleles (0.0016%); highest among the groups gnomAD compares: South Asian, 0.0044%; no homozygotes.

Submission:

Women's Health and Genetics/Laboratory Corporation of America, LabCorp
Classification: Uncertain significance. Last evaluated: 2025-02-20. Review status: criteria provided, single submitter. Criteria: LabCorp Variant Classification Summary - May 2015. Collection method: clinical testing. Allele origin: germline.
Comment: Variant summary: BSND c.743C>T (p.Thr248Met) results in a non-conservative amino acid change in the encoded protein sequence. Three of four in-silico tools predict a benign effect of the variant on protein function. The variant allele was found at a frequency of 1.6e-05 in 251328 control chromosomes. The available data on variant occurrences in the general population are insufficient to allow any conclusion about variant significance. To our knowledge, no occurrence of c.743C>T in individuals affected with Bartter Syndrome, Type 4a and no experimental evidence demonstrating its impact on protein function have been reported. No submitters have cited clinical-significance assessments for this variant to ClinVar. Based on the evidence outlined above, the variant was classified as uncertain significance.

NM_057176.3(BSND):c.743C>T (p.Thr248Met)

Gene: BSND (barttin CLCNK type accessory subunit beta; plus strand). Cytogenetic location: 1p32.3.
Variant type: single nucleotide variant.
Coding change: c.743C>T on transcript NM_057176.3 (MANE Select); coding-DNA position 743, C replaced by T.
Protein change: p.Thr248Met; replaces threonine 248 with methionine.
Molecular consequence: missense variant.
Genome position (GRCh38, 1-based): chr1:55,008,408, C>T. VCF-style: chr1-55008408-C-T. GRCh37 (hg19) VCF-style: chr1-55474081-C-T.
Other names: short protein forms T248M.
Identifiers: ClinVar variation 3768915 (VCV003768915.1).